The following is an entry in ClinVar:

NM_014946.4(SPAST):c.1729-2A>G

Gene: SPAST (spastin; plus strand). Cytogenetic location: 2p22.3.
Variant type: single nucleotide variant.
Coding change: c.1729-2A>G on transcript NM_014946.4 (MANE Select); the canonical splice acceptor site of the intron before coding-DNA position 1729, A replaced by G.
Molecular consequence: splice acceptor variant.
Genome position (GRCh38, 1-based): chr2:32,154,372, A>G. VCF-style: chr2-32154372-A-G. GRCh37 (hg19) VCF-style: chr2-32379441-A-G.
Other names: c.1633-2A>G (NM_199436.2); c.*2-2A>G (NM_001377959.1); c.1726-2A>G (NM_001363823.2); c.1630-2A>G (NM_001363875.2).
Identifiers: ClinVar variation 576888 (VCV000576888.7), dbSNP rs1553321194, ClinGen allele CA346505490.

ClinVar aggregate classification (germline): Pathogenic (1 of 4 stars; one submission).

Conditions:
Hereditary spastic paraplegia 4. Also called: Familial spastic paraplegia autosomal dominant 2; Spastic paraplegia 4, autosomal dominant; Spastic Paraplegia 4. Identifiers: Orphanet 100985, MedGen C1866855, MONDO:0008438, OMIM 182601.

Submission:

Labcorp Genetics (formerly Invitae), Labcorp
Classification: Pathogenic for Hereditary spastic paraplegia 4. Last evaluated: 2023-07-03. Review status: criteria provided, single submitter. Criteria: Invitae Variant Classification Sherloc (09022015). Collection method: clinical testing. Allele origin: germline.
Comment: This variant is also known as IVS16-2A>G. This sequence change affects an acceptor splice site in intron 16 of the SPAST gene. While this variant is not anticipated to result in nonsense mediated decay, it likely alters RNA splicing and results in a disrupted protein product. This variant is not present in population databases (gnomAD no frequency). Disruption of this splice site has been observed in individuals with spastic paraplegia (PMID: 16240363, 17100993; Invitae). It has also been observed to segregate with disease in related individuals. ClinVar contains an entry for this variant (Variation ID: 576888). Variants that disrupt the consensus splice site are a relatively common cause of aberrant splicing (PMID: 17576681, 9536098). Algorithms developed to predict the effect of sequence changes on RNA splicing suggest that this variant may disrupt the consensus splice site. For these reasons, this variant has been classified as Pathogenic.

Literature cited by the submitters: PubMed 16240363; PubMed 17100993; PubMed 17576681; PubMed 9536098.